The following is an entry in ClinVar:

NM_000038.6(APC):c.2275G>A (p.Ala759Thr)

Gene: APC (APC regulator of Wnt signaling pathway; plus strand). Cytogenetic location: 5q22.2.
Variant type: single nucleotide variant.
Coding change: c.2275G>A on transcript NM_000038.6 (MANE Select); coding-DNA position 2275, G replaced by A.
Protein change: p.Ala759Thr; replaces alanine 759 with threonine.
Molecular consequence: missense variant. On other transcripts: non-coding transcript variant (2).
Genome position (GRCh38, 1-based): chr5:112,837,869, G>A. VCF-style: chr5-112837869-G-A. GRCh37 (hg19) VCF-style: chr5-112173566-G-A.
Other names: c.2275G>A (NM_000038.5); c.2275G>A, p.Ala759Thr (NM_001127510.3, NM_001354895.2, NM_001407450.1); c.2221G>A, p.Ala741Thr (NM_001127511.3); c.2329G>A, p.Ala777Thr (NM_001354896.2, NM_001407447.1, NM_001407448.1 and 1 more transcripts); c.2305G>A, p.Ala769Thr (NM_001354897.2); c.2200G>A, p.Ala734Thr (NM_001354898.2); c.2191G>A, p.Ala731Thr (NM_001354899.2); c.2152G>A, p.Ala718Thr (NM_001354900.2); and 12 more; short protein forms A630T, A658T, A676T, A741T, A752T, A759T, A777T, A668T.
Identifiers: ClinVar variation 2760199 (VCV002760199.4), dbSNP rs2149865111, ClinGen allele CA16026315.

ClinVar aggregate classification (germline): Uncertain significance. Review status: criteria provided, multiple submitters, no conflicts (2 of 4 stars). 2 submissions from 2 submitters: Uncertain significance (2). Last evaluated 2024-07-19.

Conditions:
Familial adenomatous polyposis 1 (FAP1). Also called: POLYPOSIS, ADENOMATOUS INTESTINAL; FAMILIAL ADENOMATOUS POLYPOSIS 1, ATTENUATED. Identifiers: MedGen C2713442, MONDO:0021056, OMIM 175100. Disease mechanism: loss of function.
Hereditary cancer-predisposing syndrome. Also called: Neoplastic Syndromes, Hereditary; Hereditary Cancer Syndrome; Hereditary neoplastic syndrome; Tumor predisposition. Identifiers: Orphanet 140162, MedGen C0027672, MeSH D009386, MONDO:0015356.

Submissions (2):

Ambry Genetics
Classification: Uncertain significance for Hereditary cancer-predisposing syndrome. Last evaluated: 2024-07-19. Review status: criteria provided, single submitter. Criteria: Ambry Variant Classification Scheme 2023. Collection method: clinical testing. Allele origin: germline.
Comment: The p.A759T variant (also known as c.2275G>A), located in coding exon 15 of the APC gene, results from a G to A substitution at nucleotide position 2275. The alanine at codon 759 is replaced by threonine, an amino acid with similar properties. Missense alterations in APC are not a common cause of disease (Spier I et al. Genet Med. 2024 Feb;26(2):100992). This amino acid position is highly conserved in available vertebrate species. In addition, in silico predictors for this gene do not accurately predict pathogenicity. Based on the available evidence, the clinical significance of this variant remains unclear.

Labcorp Genetics (formerly Invitae), Labcorp
Classification: Uncertain significance for Familial adenomatous polyposis 1. Last evaluated: 2023-09-12. Review status: criteria provided, single submitter. Criteria: Invitae Variant Classification Sherloc (09022015). Collection method: clinical testing. Allele origin: germline.
Comment: This variant is not present in population databases (gnomAD no frequency). In summary, the available evidence is currently insufficient to determine the role of this variant in disease. Therefore, it has been classified as a Variant of Uncertain Significance. Advanced modeling of protein sequence and biophysical properties (such as structural, functional, and spatial information, amino acid conservation, physicochemical variation, residue mobility, and thermodynamic stability) performed at Invitae indicates that this missense variant is not expected to disrupt APC protein function. This variant has not been reported in the literature in individuals affected with APC-related conditions. This sequence change replaces alanine, which is neutral and non-polar, with threonine, which is neutral and polar, at codon 759 of the APC protein (p.Ala759Thr).